The following is an entry in ClinVar:

NM_014208.3(DSPP):c.3621C>T (p.Ser1207=)

Genes: DMP1-AS1 (DMP1 and DSPP antisense RNA 1; minus strand), DSPP (dentin sialophosphoprotein; plus strand). Cytogenetic location: 4q22.1.
Variant type: single nucleotide variant.
Coding change: c.3621C>T on transcript NM_014208.3 (MANE Select); coding-DNA position 3621, C replaced by T.
Protein change: p.Ser1207=; no amino-acid change (serine 1207 retained).
Molecular consequence: synonymous variant.
Genome position (GRCh38, 1-based): chr4:87,616,283, C>T. VCF-style: chr4-87616283-C-T. GRCh37 (hg19) VCF-style: chr4-88537435-C-T.
Identifiers: ClinVar variation 3388542 (VCV003388542.15).

ClinVar aggregate classification (germline): Likely benign. Review status: criteria provided, multiple submitters, no conflicts (2 of 4 stars). 2 submissions from 2 submitters: Likely benign (2). Last evaluated 2024-09-01.

Submissions (2):

CeGaT Center for Human Genetics Tuebingen
Classification: Likely benign. Last evaluated: 2024-09-01. Review status: criteria provided, single submitter. Criteria: CeGaT Center For Human Genetics Tuebingen Variant Classification Criteria Version 2. Collection method: clinical testing. Allele origin: germline. Affected: yes. Observed: 1 variant allele.
Comment: DSPP: BP4, BP7

Blueprint Genetics
Classification: Likely benign. Last evaluated: 2024-07-15. Review status: criteria provided, single submitter. Criteria: ACMG Guidelines, 2015. Collection method: clinical testing. Allele origin: germline.